The following is an entry in ClinVar:

NM_000057.4(BLM):c.112A>G (p.Lys38Glu)

Gene: BLM (BLM RecQ like helicase; plus strand). Cytogenetic location: 15q26.1.
Variant type: single nucleotide variant.
Coding change: c.112A>G on transcript NM_000057.4 (MANE Select); coding-DNA position 112, A replaced by G.
Protein change: p.Lys38Glu; replaces lysine 38 with glutamic acid.
Molecular consequence: missense variant. On other transcripts: 5 prime UTR variant (1).
Genome position (GRCh38, 1-based): chr15:90,749,380, A>G. VCF-style: chr15-90749380-A-G. GRCh37 (hg19) VCF-style: chr15-91292610-A-G.
Other names: c.112A>G, p.Lys38Glu (NM_001287246.2, NM_001287247.2); c.-1180A>G (NM_001287248.2); short protein forms K38E.
Identifiers: ClinVar variation 3991628 (VCV003991628.1).

ClinVar aggregate classification (germline): Uncertain significance (1 of 4 stars; one submission).

Conditions:
Hereditary cancer-predisposing syndrome. Also called: Tumor predisposition; Hereditary neoplastic syndrome; Neoplastic Syndromes, Hereditary; Hereditary Cancer Syndrome. Identifiers: Orphanet 140162, MedGen C0027672, MeSH D009386, MONDO:0015356.

Submission:

Ambry Genetics
Classification: Uncertain significance for Hereditary cancer-predisposing syndrome. Last evaluated: 2025-03-22. Review status: criteria provided, single submitter. Criteria: Ambry Variant Classification Scheme 2023. Collection method: clinical testing. Allele origin: germline.
Comment: The p.K38E variant (also known as c.112A>G), located in coding exon 2 of the BLM gene, results from an A to G substitution at nucleotide position 112. The lysine at codon 38 is replaced by glutamic acid, an amino acid with similar properties. This amino acid position is conserved. In addition, the in silico prediction for this alteration is inconclusive. Based on the available evidence, the clinical significance of this variant remains unclear.